The following is an entry in ClinVar:

ClinVar aggregate classification (germline): Likely pathogenic (1 of 4 stars; one submission).

Submission:

Illumina Laboratory Services, Illumina
Classification: Likely pathogenic. Last evaluated: 2022-01-05. Review status: criteria provided, single submitter. Criteria: ICSL CNVClassificationCriteria Aug2020. Collection method: clinical testing. Allele origin: germline. Affected: yes. Observed: 1 variant allele.
Comment: This CNV is a ~3.7kb duplication of 17q24.3 on chromosome 17, (seq[GRCh37]dup(17)(q24.3); chr17:69480146_69483843dup), which is inherited. This CNV constitutes a gain that does not encompass any protein-coding or non-protein-coding genes. Instead, it is located approximately 634kb upstream of the SOX9 gene within one of several of its well-known distal upstream noncoding regulatory enhancer sequences known as the XYSR enhancer element. Both breakpoints of this CNV are within the known minimal critical region that contains binding sites for the testis-specific transcription factors SOX9 and SF1 that have been experimentally validated (PMID: 30552336; PMID: 29903884). Larger duplications, but which still only encompass the XYSR enhancer element similar to this duplication, have been reported in at least two unrelated patients with 46XX disorder of sexual development (PMID: 30552336). Additional much larger duplications encompassing the XYSR as well as another enhancer element have also been reported in several patients with this condition (PMID: 25604083; PMID: 28317102). Similar duplications have not been reported in controls in the Database of Genomic Variants and the Genome Aggregation Database. Based on the available evidence, this CNV is classified as likely pathogenic.

Literature cited by the submitters: PubMed 30552336; PubMed 29903884; PubMed 25604083; PubMed 28317102.

NC_000017.11:g.71484008_71487705dup

Gene: LOC131477896 (eSR-A sex determination enhancer; plus strand). Cytogenetic location: 17q24.3.
Variant type: Duplication.
Genome position: GRCh38: chr17:71,484,008-71,487,705. GRCh37 (hg19): chr17:69,480,149-69,483,846.
Identifiers: ClinVar variation 2499681 (VCV002499681.2), ClinGen allele CA2580095151.